The following is an entry in ClinVar:

NM_003839.4(TNFRSF11A):c.955G>A (p.Ala319Thr)

Gene: TNFRSF11A (TNF receptor superfamily member 11a; plus strand). Cytogenetic location: 18q21.33.
Variant type: single nucleotide variant.
Coding change: c.955G>A on transcript NM_003839.4 (MANE Select); coding-DNA position 955, G replaced by A.
Protein change: p.Ala319Thr; replaces alanine 319 with threonine.
Molecular consequence: missense variant. On other transcripts: intron variant (3).
Genome position (GRCh38, 1-based): chr18:62,368,872, G>A. VCF-style: chr18-62368872-G-A. GRCh37 (hg19) VCF-style: chr18-60036105-G-A.
Other names: c.913G>A, p.Ala305Thr (NM_001278268.2); c.783+2112G>A (NM_001270949.2); c.730+7079G>A (NM_001270950.2); c.616+8823G>A (NM_001270951.2); short protein forms A319T, A305T.
Identifiers: ClinVar variation 1926372 (VCV001926372.5), dbSNP rs934154488, ClinGen allele CA301704059.

ClinVar aggregate classification (germline): Uncertain significance (1 of 4 stars; one submission).

Allele frequency attached by ClinVar (database versions not stated): gnomAD 0.00001; TOPMed 0.00001.

Submission:

Labcorp Genetics (formerly Invitae), Labcorp
Classification: Uncertain significance. Last evaluated: 2023-01-25. Review status: criteria provided, single submitter. Criteria: Invitae Variant Classification Sherloc (09022015). Collection method: clinical testing. Allele origin: germline.
Comment: In summary, the available evidence is currently insufficient to determine the role of this variant in disease. Therefore, it has been classified as a Variant of Uncertain Significance. Algorithms developed to predict the effect of missense changes on protein structure and function output the following: SIFT: "Tolerated"; PolyPhen-2: "Benign"; Align-GVGD: "Class C0". The threonine amino acid residue is found in multiple mammalian species, which suggests that this missense change does not adversely affect protein function. This variant has not been reported in the literature in individuals affected with TNFRSF11A-related conditions. This variant is not present in population databases (gnomAD no frequency). This sequence change replaces alanine, which is neutral and non-polar, with threonine, which is neutral and polar, at codon 319 of the TNFRSF11A protein (p.Ala319Thr).